The following is an entry in ClinVar:

NM_015072.5(TTLL5):c.3425C>T (p.Thr1142Ile)

Gene: TTLL5 (tubulin tyrosine ligase like 5; plus strand). Cytogenetic location: 14q24.3.
Variant type: single nucleotide variant.
Coding change: c.3425C>T on transcript NM_015072.5 (MANE Select); coding-DNA position 3425, C replaced by T.
Protein change: p.Thr1142Ile; replaces threonine 1142 with isoleucine.
Molecular consequence: missense variant.
Genome position (GRCh38, 1-based): chr14:75,863,765, C>T. VCF-style: chr14-75863765-C-T. GRCh37 (hg19) VCF-style: chr14-76330108-C-T.
Other names: short protein forms T1142I.
Identifiers: ClinVar variation 954371 (VCV000954371.7), dbSNP rs143882862, ClinGen allele CA7280009.

ClinVar aggregate classification (germline): Uncertain significance. Review status: criteria provided, multiple submitters, no conflicts (2 of 4 stars). 2 submissions from 2 submitters: Uncertain significance (2). Last evaluated 2025-11-08.

Allele frequency attached by ClinVar (database versions not stated): 1000 Genomes Project 30x 0.00031; TOPMed 0.00034; gnomAD exomes 0.00002 and 0.00011; ExAC 0.00016; gnomAD 0.00036 and 0.00039; 1000 Genomes Project 0.00040; ESP Exome Variant Server 0.00046.
gnomAD v4.1: 90 of 1,613,890 alleles (0.0056%); highest among the groups gnomAD compares: African/African-American, 0.1%; no homozygotes.

Submissions (2):

Labcorp Genetics (formerly Invitae), Labcorp
Classification: Uncertain significance. Last evaluated: 2025-11-08. Review status: criteria provided, single submitter. Criteria: Invitae Variant Classification Sherloc (09022015). Collection method: clinical testing. Allele origin: germline.
Comment: This sequence change replaces threonine, which is neutral and polar, with isoleucine, which is neutral and non-polar, at codon 1142 of the TTLL5 protein (p.Thr1142Ile). This variant is present in population databases (rs143882862, gnomAD 0.1%). This variant has not been reported in the literature in individuals affected with TTLL5-related conditions. ClinVar contains an entry for this variant (Variation ID: 954371). Invitae Evidence Modeling of protein sequence and biophysical properties (such as structural, functional, and spatial information, amino acid conservation, physicochemical variation, residue mobility, and thermodynamic stability) indicates that this missense variant is not expected to disrupt TTLL5 protein function with a negative predictive value of 80%. In summary, the available evidence is currently insufficient to determine the role of this variant in disease. Therefore, it has been classified as a Variant of Uncertain Significance.

Blueprint Genetics
Classification: Uncertain significance. Last evaluated: 2024-06-18. Review status: criteria provided, single submitter. Criteria: ACMG Guidelines, 2015. Collection method: clinical testing. Allele origin: germline.